The following is an entry in ClinVar:

NM_000535.7(PMS2):c.2314A>T (p.Thr772Ser)

Gene: PMS2 (PMS1 homolog 2, mismatch repair system component; minus strand). Cytogenetic location: 7p22.1.
Variant type: single nucleotide variant.
Coding change: c.2314A>T on transcript NM_000535.7 (MANE Select); coding-DNA position 2314, A replaced by T.
Protein change: p.Thr772Ser; replaces threonine 772 with serine.
Molecular consequence: missense variant. On other transcripts: intron variant (2).
Genome position (GRCh38, 1-based): chr7:5,977,719, T>A on the plus strand (A>T on the coding strand, the complement: PMS2 is on the minus strand). VCF-style: chr7-5977719-T-A. GRCh37 (hg19) VCF-style: chr7-6017350-T-A.
Other names: c.1909A>T, p.Thr637Ser (NM_001322003.2, NM_001322004.2, NM_001322005.2 and 11 more transcripts); c.2158A>T, p.Thr720Ser (NM_001322006.2); c.1996A>T, p.Thr666Ser (NM_001322007.2, NM_001322008.2, NM_001406883.1); c.1942A>T, p.Thr648Ser (NM_001322009.2, NM_001406887.1, NM_001406888.1); c.1753A>T, p.Thr585Ser (NM_001322010.2, NM_001406906.1, NM_001406907.1); c.1381A>T, p.Thr461Ser (NM_001322011.2, NM_001322012.2); c.1741A>T, p.Thr581Ser (NM_001322013.2, NM_001406908.1, NM_001406909.1); c.2347A>T, p.Thr783Ser (NM_001322014.2); and 20 more; short protein forms T371S, T461S, T515S, T581S, T585S, T601S, T610S, T614S.
Identifiers: ClinVar variation 4759005 (VCV004759005.1).

ClinVar aggregate classification (germline): Uncertain significance (1 of 4 stars; one submission).

Conditions:
Hereditary cancer-predisposing syndrome. Also called: Neoplastic Syndromes, Hereditary; Hereditary neoplastic syndrome; Tumor predisposition; Hereditary Cancer Syndrome. Identifiers: Orphanet 140162, MedGen C0027672, MeSH D009386, MONDO:0015356.

Submission:

Color Diagnostics, LLC DBA Color Health
Classification: Uncertain significance for Hereditary cancer-predisposing syndrome. Last evaluated: 2025-07-28. Review status: criteria provided, single submitter. Criteria: ACMG Guidelines, 2015. Collection method: clinical testing. Allele origin: germline.
Comment: This missense variant replaces threonine with serine at codon 772 of the PMS2 protein. Computational prediction suggests that this variant may not impact protein structure and function. To our knowledge, functional studies have not been reported for this variant. This variant has not been reported in individuals affected with PMS2-related disorders in the literature. This variant has not been identified in the general population by the Genome Aggregation Database (gnomAD). The available evidence is insufficient to determine the role of this variant in disease conclusively. Therefore, this variant is classified as a Variant of Uncertain Significance.